The following is an entry in ClinVar:

ClinVar aggregate classification (germline): Uncertain significance (1 of 4 stars; one submission).

Conditions:
Primary ciliary dyskinesia. Also called: Ciliary dyskinesia. Identifiers: Orphanet 244, MedGen C0008780, MONDO:0016575, HP:0012265.

gnomAD v4.1: 21 of 1,477,254 alleles (0.0014%); highest among the groups gnomAD compares: Admixed American, 0.0023%; no homozygotes.

Submission:

Ambry Genetics
Classification: Uncertain significance for Primary ciliary dyskinesia. Last evaluated: 2026-08-24. Review status: criteria provided, single submitter. Criteria: Ambry Variant Classification Scheme 2023. Collection method: clinical testing. Allele origin: germline.
Comment: The p.V238I variant (also known as c.712G>A), located in coding exon 6 of the DNAAF3 gene, results from a G to A substitution at nucleotide position 712. The valine at codon 238 is replaced by isoleucine, an amino acid with highly similar properties. This amino acid position is conserved. In addition, this alteration is predicted to be tolerated by in silico analysis. Based on the available evidence, the clinical significance of this variant remains unclear.

NM_001256715.2(DNAAF3):c.508G>A (p.Val170Ile)

Genes: DNAAF3 (dynein axonemal assembly factor 3; minus strand), DNAAF3-AS1 (DNAAF3 antisense RNA 1; plus strand). Cytogenetic location: 19q13.42.
Variant type: single nucleotide variant.
Coding change: c.508G>A on transcript NM_001256715.2 (MANE Select); coding-DNA position 508, G replaced by A.
Protein change: p.Val170Ile; replaces valine 170 with isoleucine.
Molecular consequence: missense variant.
Genome position (GRCh38, 1-based): chr19:55,161,798, C>T on the plus strand (G>A on the coding strand, the complement: DNAAF3 is on the minus strand). VCF-style: chr19-55161798-C-T. GRCh37 (hg19) VCF-style: chr19-55673166-C-T.
Other names: c.712G>A, p.Val238Ile (NM_001256714.1); c.346G>A, p.Val116Ile (NM_001256716.2); c.649G>A, p.Val217Ile (NM_178837.4); short protein forms V116I, V217I, V170I, V238I.
Identifiers: ClinVar variation 5035423 (VCV005035423.1).
Genomic context (GRCh38, chr19:55,161,798, plus strand): 5'-AGAGGCGGCTCATGGGGAACGCCTGGGGCCCTTTCTCGCCGCCAGCCCAGAAGCGGAATA[C>T]GGCCTCCAGGGCATCCCGCTCGCGGAACTGCGGGGCCAGGCACGCGGTGGGACAGAGGAA-3'
Protein context (NP_001243644.1, residues 160-180): KFRERDALEA[Val170Ile]FRFWAGGEKG